The following is an entry in ClinVar:

ClinVar aggregate classification (germline): Likely benign (1 of 4 stars; one submission).

Conditions:
Hereditary breast ovarian cancer syndrome. Also called: Hereditary breast and ovarian cancer syndrome; Breast and ovarian cancer; Hereditary breast and ovarian cancer syndrome (HBOC); Hereditary breast and/or ovarian cancer syndrome; BRCA1- and BRCA2-Associated Hereditary Breast and Ovarian Cancer; Hereditary breast and ovarian cancer. Identifiers: Orphanet 145, MedGen C0677776, MeSH D061325, MONDO:0003582. Disease mechanism: loss of function.

Allele frequency attached by ClinVar (database versions not stated): gnomAD exomes below 0.00001; TOPMed 0.00001.
gnomAD v4.1: 1 of 1,610,990 alleles (0.000062%); highest among the groups gnomAD compares: Non-Finnish European, 0.000085%; no homozygotes.

Submissions (2):

Labcorp Genetics (formerly Invitae), Labcorp
Classification: Likely benign for Hereditary breast ovarian cancer syndrome. Last evaluated: 2025-03-11. Review status: criteria provided, single submitter. Criteria: Invitae Variant Classification Sherloc (09022015). Collection method: clinical testing. Allele origin: germline.

Brotman Baty Institute, University of Washington
No classification provided (evidence only). Condition: Breast-ovarian cancer, familial 1. Review status: no classification provided. Collection method: in vitro. Allele origin: not applicable. Functional consequence: functionally_normal. Not counted in ClinVar's aggregate classification.
ClinVar note: "not provided" was previously submitted as the classification for the variant. However, the classification appeared to be based only on an observation of functional data so it was converted to no classification on 2025-07-30.

NM_007294.4(BRCA1):c.134+19T>C

Gene: BRCA1 (BRCA1 DNA repair associated; minus strand). Cytogenetic location: 17q21.31.
Variant type: single nucleotide variant.
Coding change: c.134+19T>C on transcript NM_007294.4 (MANE Select); 19 bases into the intron after coding-DNA position 134, T replaced by C.
Molecular consequence: intron variant.
Genome position (GRCh38, 1-based): chr17:43,115,707, A>G on the plus strand (T>C on the coding strand, the complement: BRCA1 is on the minus strand). VCF-style: chr17-43115707-A-G. GRCh37 (hg19) VCF-style: chr17-41267724-A-G.
Other names: c.134+19T>C (NM_001407854.1, NM_001407598.1, NM_001407973.1 and 191 more transcripts); c.-171+19T>C (NM_001408492.1, NM_001407889.1, NM_001407900.1); c.-124+19T>C (NM_001408468.1, NM_001407842.1, NM_001407749.1 and 13 more transcripts); c.-128+19T>C (NM_001407695.1, NM_001408465.1); c.-8+19T>C (NM_001407846.1, NM_001408503.1, NM_001407943.1 and 47 more transcripts); c.-8+5851T>C (NM_001407726.1, NM_001407751.1); c.-55+19T>C (NM_001408513.1, NM_001407899.1, NM_001408507.1 and 52 more transcripts); c.-219+9564T>C (NM_001407966.1); and 10 more.
Identifiers: ClinVar variation 415604 (VCV000415604.15), dbSNP rs1060504590, ClinGen allele CA16615421.